The following is an entry in ClinVar:

ClinVar aggregate classification (germline): Uncertain significance (1 of 4 stars; one submission).

Conditions:
Deficiency of butyryl-CoA dehydrogenase (ACADSD). Also called: SCAD Deficiency; ACADS DEFICIENCY; Short-Chain Acyl-CoA Dehydrogenase Deficiency; SCADH DEFICIENCY; SCAD DEFICIENCY, MILD; ACYL-CoA DEHYDROGENASE, SHORT-CHAIN, DEFICIENCY OF. Identifiers: Orphanet 26792, MedGen C0342783, MONDO:0008722, OMIM 201470. Disease mechanism: May be benign.

Submission:

Labcorp Genetics (formerly Invitae), Labcorp
Classification: Uncertain significance for Deficiency of butyryl-CoA dehydrogenase. Last evaluated: 2021-11-11. Review status: criteria provided, single submitter. Criteria: Invitae Variant Classification Sherloc (09022015). Collection method: clinical testing. Allele origin: germline.
Comment: In summary, the available evidence is currently insufficient to determine the role of this variant in disease. Therefore, it has been classified as a Variant of Uncertain Significance. Advanced modeling of protein sequence and biophysical properties (such as structural, functional, and spatial information, amino acid conservation, physicochemical variation, residue mobility, and thermodynamic stability) performed at Invitae indicates that this missense variant is expected to disrupt ACADS protein function. This variant has not been reported in the literature in individuals affected with ACADS-related conditions. This variant is not present in population databases (gnomAD no frequency). This sequence change replaces glycine, which is neutral and non-polar, with glutamic acid, which is acidic and polar, at codon 258 of the ACADS protein (p.Gly258Glu).

NM_000017.4(ACADS):c.773G>A (p.Gly258Glu)

Gene: ACADS (acyl-CoA dehydrogenase short chain; plus strand). Cytogenetic location: 12q24.31.
Variant type: single nucleotide variant.
Coding change: c.773G>A on transcript NM_000017.4 (MANE Select); coding-DNA position 773, G replaced by A.
Protein change: p.Gly258Glu; replaces glycine 258 with glutamic acid.
Molecular consequence: missense variant.
Genome position (GRCh38, 1-based): chr12:120,738,428, G>A. VCF-style: chr12-120738428-G-A. GRCh37 (hg19) VCF-style: chr12-121176231-G-A.
Other names: c.761G>A, p.Gly254Glu (NM_001302554.2); short protein forms G254E, G258E.
Identifiers: ClinVar variation 1478703 (VCV001478703.6), dbSNP rs2136949926, ClinGen allele CA386601055.